The following is an entry in ClinVar:

ClinVar aggregate classification (germline): Uncertain significance (1 of 4 stars; one submission).

Conditions:
Cardiovascular phenotype. Identifiers: MedGen CN230736.

Submission:

Ambry Genetics
Classification: Uncertain significance for Cardiovascular phenotype. Last evaluated: 2026-09-11. Review status: criteria provided, single submitter. Criteria: Ambry Variant Classification Scheme 2023. Collection method: clinical testing. Allele origin: germline.
Comment: The p.D3739E variant (also known as c.11217T>G), located in coding exon 26 of the APOB gene, results from a T to G substitution at nucleotide position 11217. The aspartic acid at codon 3739 is replaced by glutamic acid, an amino acid with highly similar properties. This amino acid position is conserved. In addition, this alteration is predicted to be tolerated by in silico analysis. Based on the available evidence, the clinical significance of this variant remains unclear.

NM_000384.3(APOB):c.11217T>G (p.Asp3739Glu)

Gene: APOB (apolipoprotein B; minus strand). Cytogenetic location: 2p24.1.
Variant type: single nucleotide variant.
Coding change: c.11217T>G on transcript NM_000384.3 (MANE Select); coding-DNA position 11217, T replaced by G.
Protein change: p.Asp3739Glu; replaces aspartic acid 3739 with glutamic acid.
Molecular consequence: missense variant.
Genome position (GRCh38, 1-based): chr2:21,005,651, A>C on the plus strand (T>G on the coding strand, the complement: APOB is on the minus strand). VCF-style: chr2-21005651-A-C. GRCh37 (hg19) VCF-style: chr2-21228523-A-C.
Other names: short protein forms D3739E.
Identifiers: ClinVar variation 2385303 (VCV002385303.3), dbSNP rs763608458, ClinGen allele CA345980483.
Genomic context (GRCh38, chr2:21,005,651, plus strand): 5'-TGGAACCTGAAGATCTGTAAATGGGACATGGAACGTAGGCATGACAAGAACTGAATTTAG[A>C]TCATTTAGTTTCAGCCCAGGAATAATGAATTTATCAGCCAAAACTTTTACAGGGATGGAG-3'
Protein context (NP_000375.3, residues 3729-3749): KFIIPGLKLN[Asp3739Glu]LNSVLVMPTF